The following is an entry in ClinVar:

ClinVar aggregate classification (germline): Uncertain significance. Review status: criteria provided, multiple submitters, no conflicts (2 of 4 stars). 5 submissions from 5 submitters: Uncertain significance (5). Last evaluated 2025-06-08.

Conditions:
Cerebellar ataxia, impaired intellectual development, and dysequilibrium syndrome 1. Also called: VLDLR Cerebellar Hypoplasia; Cerebellar hypoplasia and mental retardation with or without quadrupedal locomotion 1; CEREBELLAR ATAXIA AND MENTAL RETARDATION WITH OR WITHOUT QUADRUPEDAL LOCOMOTION 1; CEREBELLAR ATAXIA, CONGENITAL, AND MENTAL RETARDATION, AUTOSOMAL RECESSIVE; Cerebellar ataxia, mental retardation, and dysequilibrium syndrome 1; Cerebellar ataxia, intellectual disability, and dysequilibrium syndrome 1. Identifiers: Orphanet 1766, MedGen C4551552, MONDO:0024542, OMIM 224050.
Inborn genetic diseases. Identifiers: MedGen C0950123, MeSH D030342.

Allele frequency attached by ClinVar (database versions not stated): gnomAD 0.00011; gnomAD exomes 0.00018; TOPMed 0.00012; ExAC 0.00022.
gnomAD v4.1: 197 of 1,614,000 alleles (0.012%); highest among the groups gnomAD compares: Non-Finnish European, 0.015%; no homozygotes.

Submissions (5):

Ambry Genetics
Classification: Uncertain significance for Inborn genetic diseases. Last evaluated: 2025-06-08. Review status: criteria provided, single submitter. Criteria: Ambry Variant Classification Scheme 2023. Collection method: clinical testing. Allele origin: germline.

Mayo Clinic Laboratories, Mayo Clinic
Classification: Uncertain significance. Last evaluated: 2025-05-20. Review status: criteria provided, single submitter. Criteria: ACMG Guidelines, 2015. Collection method: clinical testing. Allele origin: germline. Observed: 2 variant alleles.

Labcorp Genetics (formerly Invitae), Labcorp
Classification: Uncertain significance. Last evaluated: 2022-02-19. Review status: criteria provided, single submitter. Criteria: Invitae Variant Classification Sherloc (09022015). Collection method: clinical testing. Allele origin: germline.
Comment: This sequence change replaces arginine, which is basic and polar, with glutamine, which is neutral and polar, at codon 556 of the VLDLR protein (p.Arg556Gln). This variant is present in population databases (rs746518411, gnomAD 0.04%). This variant has not been reported in the literature in individuals affected with VLDLR-related conditions. ClinVar contains an entry for this variant (Variation ID: 437222). Algorithms developed to predict the effect of missense changes on protein structure and function are either unavailable or do not agree on the potential impact of this missense change (SIFT: "Not Available"; PolyPhen-2: "Benign"; Align-GVGD: "Not Available"). In summary, the available evidence is currently insufficient to determine the role of this variant in disease. Therefore, it has been classified as a Variant of Uncertain Significance.

Genetic Services Laboratory, University of Chicago
Classification: Uncertain significance. Last evaluated: 2016-07-01. Review status: criteria provided, single submitter. Criteria: ACMG Guidelines, 2015. Collection method: clinical testing. Allele origin: germline. Affected: no.

Neuberg Centre For Genomic Medicine, NCGM
Classification: Uncertain significance for Cerebellar ataxia, impaired intellectual development, and dysequilibrium syndrome 1. Review status: criteria provided, single submitter. Criteria: ACMG Guidelines, 2015. Collection method: clinical testing. Allele origin: germline. Inheritance: Autosomal recessive inheritance. Affected: yes.
Comment: The missense variant in c.1667G>A(p.Arg556Gln) in VLDLR gene has not been reported previously as a pathogenic variant nor as a benign variant, to our knowledge. The p.Arg556Gln variant is novel (not in any individuals) in 1000 Genomes and has allele frequency of 0.02% in gnomAD database. This variant has been reported to the ClinVar database as Variant of Uncertain Significance (VUS). The amino acid change p.Arg556Gln in VLDLR is predicted as conserved by GERP++ and PhyloP across 100 vertebrates. The amino acid Arg at position 556 is changed to a Gln changing protein sequence and it might alter its composition and physico-chemical properties. For these reasons, this variant has been classified as Uncertain Significance (VUS).

NM_003383.5(VLDLR):c.1667G>A (p.Arg556Gln)

Gene: VLDLR (very low density lipoprotein receptor; plus strand). Cytogenetic location: 9p24.2.
Variant type: single nucleotide variant.
Coding change: c.1667G>A on transcript NM_003383.5 (MANE Select); coding-DNA position 1667, G replaced by A.
Protein change: p.Arg556Gln; replaces arginine 556 with glutamine.
Molecular consequence: missense variant.
Genome position (GRCh38, 1-based): chr9:2,646,516, G>A. VCF-style: chr9-2646516-G-A. GRCh37 (hg19) VCF-style: chr9-2646516-G-A.
Other names: p.Arg556Gln; c.1667G>A, p.Arg556Gln (NM_001018056.3); c.1544G>A, p.Arg515Gln (NM_001322225.2, NM_001322226.2); short protein forms R556Q, R515Q.
Identifiers: ClinVar variation 437222 (VCV000437222.11), dbSNP rs746518411, ClinGen allele CA4964897.